The following is an entry in ClinVar:

NM_003978.5(PSTPIP1):c.914G>C (p.Cys305Ser)

Gene: PSTPIP1 (proline-serine-threonine phosphatase interacting protein 1; plus strand). Cytogenetic location: 15q24.3.
Variant type: single nucleotide variant.
Coding change: c.914G>C on transcript NM_003978.5 (MANE Select); coding-DNA position 914, G replaced by C.
Protein change: p.Cys305Ser; replaces cysteine 305 with serine.
Molecular consequence: missense variant. On other transcripts: intron variant (1).
Genome position (GRCh38, 1-based): chr15:77,032,937, G>C. VCF-style: chr15-77032937-G-C. GRCh37 (hg19) VCF-style: chr15-77325278-G-C.
Other names: c.887G>C, p.Cys296Ser (NM_001321136.2); c.1109G>C, p.Cys370Ser (NM_001321137.1); c.914G>C, p.Cys305Ser (NM_001411086.1); c.872+509G>C (NM_001321135.2); short protein forms C296S, C370S, C305S.
Identifiers: ClinVar variation 2706058 (VCV002706058.3), dbSNP rs2542865434, ClinGen allele CA393521470.

ClinVar aggregate classification (germline): Uncertain significance (1 of 4 stars; one submission).

Conditions:
Pyogenic arthritis-pyoderma gangrenosum-acne syndrome (PAPA). Also called: PAPA SYNDROME; FAMILIAL RECURRENT ARTHRITIS. Identifiers: Orphanet 69126, MedGen C1858361, MONDO:0011462, OMIM 604416.

gnomAD v4.1: 1 of 1,603,576 alleles (0.000062%); highest among the groups gnomAD compares: Non-Finnish European, 0.000085%; no homozygotes.

Submission:

Labcorp Genetics (formerly Invitae), Labcorp
Classification: Uncertain significance for Pyogenic arthritis-pyoderma gangrenosum-acne syndrome. Last evaluated: 2023-12-28. Review status: criteria provided, single submitter. Criteria: Invitae Variant Classification Sherloc (09022015). Collection method: clinical testing. Allele origin: germline.
Comment: This sequence change replaces cysteine, which is neutral and slightly polar, with serine, which is neutral and polar, at codon 305 of the PSTPIP1 protein (p.Cys305Ser). This variant is not present in population databases (gnomAD no frequency). This variant has not been reported in the literature in individuals affected with PSTPIP1-related conditions. Advanced modeling of protein sequence and biophysical properties (such as structural, functional, and spatial information, amino acid conservation, physicochemical variation, residue mobility, and thermodynamic stability) performed at Invitae indicates that this missense variant is not expected to disrupt PSTPIP1 protein function with a negative predictive value of 80%. In summary, the available evidence is currently insufficient to determine the role of this variant in disease. Therefore, it has been classified as a Variant of Uncertain Significance.